The following is an entry in ClinVar:

ClinVar aggregate classification (germline): Uncertain significance (1 of 4 stars; one submission).

Conditions:
Charcot-Marie-Tooth disease axonal type 2U. Also called: CHARCOT-MARIE-TOOTH NEUROPATHY, TYPE 2U; CHARCOT-MARIE-TOOTH DISEASE, AXONAL, AUTOSOMAL DOMINANT, TYPE 2U. Identifiers: Orphanet 397735, MedGen C4084821, MONDO:0014566, OMIM 616280.
Severe early-onset pulmonary alveolar proteinosis due to MARS deficiency. Also called: PULMONARY ALVEOLAR PROTEINOSIS, REUNION ISLAND; Interstitial lung and liver disease. Identifiers: Orphanet 440427, MedGen C4225400, MONDO:0014206, OMIM 615486.

gnomAD v4.1: 1 of 1,614,170 alleles (0.000062%); highest among the groups gnomAD compares: Non-Finnish European, 0.000085%; no homozygotes.

Submission:

Labcorp Genetics (formerly Invitae), Labcorp
Classification: Uncertain significance for Charcot-Marie-Tooth disease axonal type 2U; Severe early-onset pulmonary alveolar proteinosis due to MARS deficiency. Last evaluated: 2025-05-30. Review status: criteria provided, single submitter. Criteria: Invitae Variant Classification Sherloc (09022015). Collection method: clinical testing. Allele origin: germline.
Comment: This sequence change creates a premature translational stop signal (p.Leu813*) in the MARS gene. It is expected to result in an absent or disrupted protein product. However, the current clinical and genetic evidence is not sufficient to establish whether loss-of-function variants in MARS cause disease. This variant is not present in population databases (gnomAD no frequency). This variant has not been reported in the literature in individuals affected with MARS-related conditions. ClinVar contains an entry for this variant (Variation ID: 2103454). In summary, the available evidence is currently insufficient to determine the role of this variant in disease. Therefore, it has been classified as a Variant of Uncertain Significance.

NM_004990.4(MARS1):c.2438T>A (p.Leu813Ter)

Gene: MARS1 (methionyl-tRNA synthetase 1; plus strand). Cytogenetic location: 12q13.3.
Variant type: single nucleotide variant.
Coding change: c.2438T>A on transcript NM_004990.4 (MANE Select); coding-DNA position 2438, T replaced by A.
Protein change: p.Leu813Ter; replaces leucine 813 with a stop codon.
Molecular consequence: nonsense.
Genome position (GRCh38, 1-based): chr12:57,515,966, T>A. VCF-style: chr12-57515966-T-A. GRCh37 (hg19) VCF-style: chr12-57909749-T-A.
Other names: short protein forms L813*.
Identifiers: ClinVar variation 2103454 (VCV002103454.4), dbSNP rs2540321669, ClinGen allele CA385467091.